The following is an entry in ClinVar:

ClinVar aggregate classification (germline): Uncertain significance (1 of 4 stars; one submission).

Conditions:
Hereditary cancer-predisposing syndrome. Also called: Hereditary neoplastic syndrome; Neoplastic Syndromes, Hereditary; Hereditary Cancer Syndrome; Tumor predisposition. Identifiers: Orphanet 140162, MedGen C0027672, MeSH D009386, MONDO:0015356.

Submission:

Labcorp Genetics (formerly Invitae), Labcorp
Classification: Uncertain significance for Hereditary cancer-predisposing syndrome. Last evaluated: 2022-10-13. Review status: criteria provided, single submitter. Criteria: Invitae Variant Classification Sherloc (09022015). Collection method: clinical testing. Allele origin: germline.
Comment: In summary, the available evidence is currently insufficient to determine the role of this variant in disease. Therefore, it has been classified as a Variant of Uncertain Significance. Advanced modeling of protein sequence and biophysical properties (such as structural, functional, and spatial information, amino acid conservation, physicochemical variation, residue mobility, and thermodynamic stability) performed at Invitae indicates that this missense variant is expected to disrupt RAD50 protein function. This variant has not been reported in the literature in individuals affected with RAD50-related conditions. This variant is not present in population databases (gnomAD no frequency). This sequence change replaces glutamic acid, which is acidic and polar, with valine, which is neutral and non-polar, at codon 925 of the RAD50 protein (p.Glu925Val).

NM_005732.4(RAD50):c.2774A>T (p.Glu925Val)

Gene: RAD50 (RAD50 double strand break repair protein; plus strand). Cytogenetic location: 5q31.1.
Variant type: single nucleotide variant.
Coding change: c.2774A>T on transcript NM_005732.4 (MANE Select); coding-DNA position 2774, A replaced by T.
Protein change: p.Glu925Val; replaces glutamic acid 925 with valine.
Molecular consequence: missense variant.
Genome position (GRCh38, 1-based): chr5:132,608,670, A>T. VCF-style: chr5-132608670-A-T. GRCh37 (hg19) VCF-style: chr5-131944362-A-T.
Other names: short protein forms E925V.
Identifiers: ClinVar variation 1721543 (VCV001721543.6), dbSNP rs1751028393, ClinGen allele CA360958908.
Genomic context (GRCh38, chr5:132,608,670, plus strand): 5'-TTTAGGATGCTAAAGAGCAGGTAAGCCCTTTGGAAACAACATTGGAAAAGTTCCAGCAAG[A>T]AAAAGAAGAATTAATCAACAAAAAAAATACAAGCAACAAAATAGCACAGGATAAAGTAAG-3'
Protein context (NP_005723.2, residues 915-935): LETTLEKFQQ[Glu925Val]KEELINKKNT